The following is an entry in ClinVar:

ClinVar aggregate classification (germline): Uncertain significance. Review status: criteria provided, multiple submitters, no conflicts (2 of 4 stars). 2 submissions from 2 submitters: Uncertain significance (2). Last evaluated 2025-12-22.

Conditions:
Neurofibromatosis, type 1 (NF1). Also called: Neurofibromatosis, type I; Peripheral type neurofibromatosis; VON RECKLINGHAUSEN DISEASE; NEUROFIBROMATOSIS, TYPE I, SOMATIC. Identifiers: Orphanet 636, MedGen C0027831, MONDO:0018975, OMIM 162200. Disease mechanism: loss of function.
Hereditary cancer-predisposing syndrome. Also called: Neoplastic Syndromes, Hereditary; Hereditary Cancer Syndrome; Tumor predisposition; Hereditary neoplastic syndrome. Identifiers: Orphanet 140162, MedGen C0027672, MeSH D009386, MONDO:0015356.
Cardiovascular phenotype. Identifiers: MedGen CN230736.

Allele frequency attached by ClinVar (database versions not stated): TOPMed below 0.00001.

Submissions (2):

Labcorp Genetics (formerly Invitae), Labcorp
Classification: Uncertain significance for Neurofibromatosis, type 1. Last evaluated: 2025-12-22. Review status: criteria provided, single submitter. Criteria: Invitae Variant Classification Sherloc (09022015). Collection method: clinical testing. Allele origin: germline.
Comment: This sequence change replaces threonine, which is neutral and polar, with isoleucine, which is neutral and non-polar, at codon 467 of the NF1 protein (p.Thr467Ile). This variant is not present in population databases (gnomAD no frequency). This missense change has been observed in individual(s) with clinical features of neurofibromatosis type 1 (PMID: 19076627). This variant is also known as c.1611C>T. ClinVar contains an entry for this variant (Variation ID: 1509567). Invitae Evidence Modeling of protein sequence and biophysical properties (such as structural, functional, and spatial information, amino acid conservation, physicochemical variation, residue mobility, and thermodynamic stability) indicates that this missense variant is expected to disrupt NF1 protein function with a positive predictive value of 95%. In summary, the available evidence is currently insufficient to determine the role of this variant in disease. Therefore, it has been classified as a Variant of Uncertain Significance.

Ambry Genetics
Classification: Uncertain significance for Cardiovascular phenotype; Hereditary cancer-predisposing syndrome. Last evaluated: 2020-11-27. Review status: criteria provided, single submitter. Criteria: Ambry Variant Classification Scheme 2023. Collection method: clinical testing. Allele origin: germline.
Comment: The p.T467I variant (also known as c.1400C>T), located in coding exon 13 of the NF1 gene, results from a C to T substitution at nucleotide position 1400. The threonine at codon 467 is replaced by isoleucine, an amino acid with similar properties. This variant has been identified in an individual with clinical NF1 whose disease has been attributed to a co-occurring NF1 truncating variant (Bongiorno MR et al. Dermatol Ther;21 Suppl 3:S21-5). This amino acid position is highly conserved in available vertebrate species. In addition, the in silico prediction for this alteration is inconclusive. Since supporting evidence is limited at this time, the clinical significance of this alteration remains unclear.

Literature cited by the submitters: PubMed 19076627 (cited by Labcorp Genetics (formerly Invitae), Labcorp).

NM_001042492.3(NF1):c.1400C>T (p.Thr467Ile)

Gene: NF1 (neurofibromin 1; plus strand). Cytogenetic location: 17q11.2.
Variant type: single nucleotide variant.
Coding change: c.1400C>T on transcript NM_001042492.3 (MANE Select); coding-DNA position 1400, C replaced by T.
Protein change: p.Thr467Ile; replaces threonine 467 with isoleucine.
Molecular consequence: missense variant.
Genome position (GRCh38, 1-based): chr17:31,214,458, C>T. VCF-style: chr17-31214458-C-T. GRCh37 (hg19) VCF-style: chr17-29541476-C-T.
Other names: c.1400C>T, p.Thr467Ile (NM_000267.4, NM_001128147.3); short protein forms T467I.
Identifiers: ClinVar variation 1509567 (VCV001509567.8), dbSNP rs1567841729, ClinGen allele CA399001422.